The following is an entry in ClinVar:

NM_198514.4(NHLRC2):c.2035A>G (p.Ile679Val)

Gene: NHLRC2 (NHL repeat containing 2; plus strand). Cytogenetic location: 10q25.3.
Variant type: single nucleotide variant.
Coding change: c.2035A>G on transcript NM_198514.4 (MANE Select); coding-DNA position 2035, A replaced by G.
Protein change: p.Ile679Val; replaces isoleucine 679 with valine.
Molecular consequence: missense variant.
Genome position (GRCh38, 1-based): chr10:113,908,390, A>G. VCF-style: chr10-113908390-A-G. GRCh37 (hg19) VCF-style: chr10-115668149-A-G.
Other names: short protein forms I679V.
Identifiers: ClinVar variation 3039179 (VCV003039179.2), dbSNP rs113108393, ClinGen allele CA5698157.
Genomic context (GRCh38, chr10:113,908,390, plus strand): 5'-ATTTCCAGTCAACCAACAATTTCACTACAAATTCCTGATGATTGCTTATCACTTGAAGCC[A>G]TTGTATCTGTCAGTGTGTTTCTTTATTACTGTAGTGCAGACAGCAGTGCTTGTATGATGA-3'
Protein context (NP_940916.2, residues 669-689): IPDDCLSLEA[Ile679Val]VSVSVFLYYC

ClinVar aggregate classification (germline): Benign (0 of 4 stars; one submission).

Conditions:
NHLRC2-related disorder. Also called: NHLRC2-related condition.

Allele frequency attached by ClinVar (database versions not stated): ESP Exome Variant Server 0.00062; gnomAD exomes 0.00251; TOPMed 0.00270; gnomAD 0.00350; ExAC 0.00545; 1000 Genomes Project 30x 0.01187; 1000 Genomes Project 0.01298.
gnomAD v4.1: 4,294 of 1,614,150 alleles (0.27%); highest among the groups gnomAD compares: East Asian, 4.4%; 79 homozygotes.

Submission:

PreventionGenetics, part of Exact Sciences
Classification: Benign for NHLRC2-related condition. Last evaluated: 2019-09-30. Review status: no assertion criteria provided. Collection method: clinical testing. Allele origin: germline.
Comment: This variant is classified as benign based on ACMG/AMP sequence variant interpretation guidelines (Richards et al. 2015 PMID: 25741868, with internal and published modifications).